The following is an entry in ClinVar:

ClinVar aggregate classification (germline): Conflicting classifications of pathogenicity. Review status: criteria provided, conflicting classifications (1 of 4 stars). 2 submissions from 2 submitters: Likely pathogenic (1); Uncertain significance (1). Last evaluated 2024-08-31.

Conditions:
Charcot-Marie-Tooth disease type 2. Also called: Charcot-Marie-Tooth type 2. Identifiers: Orphanet 64746, MedGen C0270914, MONDO:0018993.

Submissions (2):

Labcorp Genetics (formerly Invitae), Labcorp
Classification: Uncertain significance for Charcot-Marie-Tooth disease type 2. Last evaluated: 2024-08-31. Review status: criteria provided, single submitter. Criteria: Invitae Variant Classification Sherloc (09022015). Collection method: clinical testing. Allele origin: germline.
Comment: This sequence change replaces serine, which is neutral and polar, with phenylalanine, which is neutral and non-polar, at codon 75 of the LMNA protein (p.Ser75Phe). This variant is not present in population databases (gnomAD no frequency). This missense change has been observed in individual(s) with dilated cardiomyopathy (PMID: 25163546). ClinVar contains an entry for this variant (Variation ID: 245850). Invitae Evidence Modeling of protein sequence and biophysical properties (such as structural, functional, and spatial information, amino acid conservation, physicochemical variation, residue mobility, and thermodynamic stability) indicates that this missense variant is expected to disrupt LMNA protein function with a positive predictive value of 95%. In summary, the available evidence is currently insufficient to determine the role of this variant in disease. Therefore, it has been classified as a Variant of Uncertain Significance.

GeneDx
Classification: Likely pathogenic. Last evaluated: 2019-12-16. Review status: criteria provided, single submitter. Criteria: GeneDx Variant Classification Process June 2021. Collection method: clinical testing. Allele origin: germline. Affected: yes.
Comment: Not observed [at a significant frequency] in large population cohorts (Lek et al., 2016); In silico analysis, which includes protein predictors and evolutionary conservation, supports a deleterious effect; This variant is associated with the following publications: (PMID: 25163546)

Literature cited by the submitters: PubMed 25163546 (cited by Labcorp Genetics (formerly Invitae), Labcorp).

NM_170707.4(LMNA):c.224C>T (p.Ser75Phe)

Gene: LMNA (lamin A/C; plus strand). Cytogenetic location: 1q22.
Variant type: single nucleotide variant.
Coding change: c.224C>T on transcript NM_170707.4 (MANE Select); coding-DNA position 224, C replaced by T.
Protein change: p.Ser75Phe; replaces serine 75 with phenylalanine.
Molecular consequence: missense variant.
Genome position (GRCh38, 1-based): chr1:156,115,142, C>T. VCF-style: chr1-156115142-C-T. GRCh37 (hg19) VCF-style: chr1-156084933-C-T.
Other names: c.224C>T, p.Ser75Phe (NM_001282625.2, NM_001282626.2, NM_005572.4 and 1 more transcripts); short protein forms S75F.
Identifiers: ClinVar variation 245850 (VCV000245850.7), dbSNP rs879253975, ClinGen allele CA10584113.